The following is an entry in ClinVar:

ClinVar aggregate classification (germline): Uncertain significance. Review status: criteria provided, multiple submitters, no conflicts (2 of 4 stars). 2 submissions from 2 submitters: Uncertain significance (2). Last evaluated 2024-05-06.

Conditions:
Sialuria. Also called: Sialic Acid Storage Disease; SIALURIA, FRENCH TYPE. Identifiers: Orphanet 3166, MedGen C0342853, MONDO:0010028, OMIM 269921.
GNE myopathy (NM). Also called: MYOPATHY, DISTAL, WITH OR WITHOUT RIMMED VACUOLES; INCLUSION BODY MYOPATHY, HEREDITARY, AUTOSOMAL RECESSIVE; INCLUSION BODY MYOPATHY 2, AUTOSOMAL RECESSIVE; IBM 2; Inclusion body myopathy autosomal recessive; Inclusion body myopathy quadriceps sparing. Identifiers: Orphanet 602, MedGen C1853926, MONDO:0011603, OMIM 605820.

Submissions (2):

Labcorp Genetics (formerly Invitae), Labcorp
Classification: Uncertain significance for Sialuria; GNE myopathy. Last evaluated: 2024-05-06. Review status: criteria provided, single submitter. Criteria: Invitae Variant Classification Sherloc (09022015). Collection method: clinical testing. Allele origin: germline.
Comment: This sequence change replaces arginine, which is basic and polar, with glutamine, which is neutral and polar, at codon 294 of the GNE protein (p.Arg294Gln). This variant is not present in population databases (gnomAD no frequency). This missense change has been observed in individual(s) with sialuria (PMID: 32053088). This variant is also known as p.Arg263Gln. ClinVar contains an entry for this variant (Variation ID: 1917860). Advanced modeling of protein sequence and biophysical properties (such as structural, functional, and spatial information, amino acid conservation, physicochemical variation, residue mobility, and thermodynamic stability) has been performed at Invitae for this missense variant, however the output from this modeling did not meet the statistical confidence thresholds required to predict the impact of this variant on GNE protein function. This variant disrupts the p.Arg294 amino acid residue in GNE. Other variant(s) that disrupt this residue have been determined to be pathogenic (PMID: 10330343, 17706199, 27966821). This suggests that this residue is clinically significant, and that variants that disrupt this residue are likely to be disease-causing. In summary, the available evidence is currently insufficient to determine the role of this variant in disease. Therefore, it has been classified as a Variant of Uncertain Significance.

GeneDx
Classification: Uncertain significance. Last evaluated: 2023-12-18. Review status: criteria provided, single submitter. Criteria: GeneDx Variant Classification Process June 2021. Collection method: clinical testing. Allele origin: germline. Affected: yes.
Comment: Reported as p.Arg263Gln in a patient with sialuria, developmental delays, coarse facies, jaundice, and seizures in published literature; variant was maternally inherited, but clinical information on mother was not provided (PMID: 32053088); Not observed at significant frequency in large population cohorts (gnomAD); Missense variants in this gene are a common cause of disease and they are underrepresented in the general population; In silico analysis supports that this missense variant does not alter protein structure/function; This variant is associated with the following publications: (PMID: 24796702, 32400752, 32053088)

Literature cited by the submitters: PubMed 32053088 (cited by Labcorp Genetics (formerly Invitae), Labcorp); PubMed 10330343 (cited by Labcorp Genetics (formerly Invitae), Labcorp); PubMed 17706199 (cited by Labcorp Genetics (formerly Invitae), Labcorp); PubMed 27966821 (cited by Labcorp Genetics (formerly Invitae), Labcorp).

NM_005476.7(GNE):c.788G>A (p.Arg263Gln)

Gene: GNE (glucosamine (UDP-N-acetyl)-2-epimerase/N-acetylmannosamine kinase; minus strand). Cytogenetic location: 9p13.3.
Variant type: single nucleotide variant.
Coding change: c.788G>A on transcript NM_005476.7 (MANE Select); coding-DNA position 788, G replaced by A.
Protein change: p.Arg263Gln; replaces arginine 263 with glutamine.
Molecular consequence: missense variant.
Genome position (GRCh38, 1-based): chr9:36,234,114, C>T on the plus strand (G>A on the coding strand, the complement: GNE is on the minus strand). VCF-style: chr9-36234114-C-T. GRCh37 (hg19) VCF-style: chr9-36234111-C-T.
Other names: c.881G>A (NM_001128227.2); c.881G>A, p.Arg294Gln (NM_001128227.3); c.788G>A, p.Arg263Gln (NM_001190383.3); c.458G>A, p.Arg153Gln (NM_001190384.3); c.611G>A, p.Arg204Gln (NM_001190388.2, NM_001374798.1); c.635G>A, p.Arg212Gln (NM_001374797.1); short protein forms R263Q, R212Q, R204Q, R294Q, R153Q.
Identifiers: ClinVar variation 1917860 (VCV001917860.6), dbSNP rs121908623, ClinGen allele CA373430875.